The following is an entry in ClinVar:

ClinVar aggregate classification (germline): Uncertain significance (1 of 4 stars; one submission).

gnomAD v4.1: 45 of 1,613,630 alleles (0.0028%); highest among the groups gnomAD compares: Non-Finnish European, 0.0038%; no homozygotes.

Submission:

Labcorp Genetics (formerly Invitae), Labcorp
Classification: Uncertain significance. Last evaluated: 2024-07-19. Review status: criteria provided, single submitter. Criteria: Invitae Variant Classification Sherloc (09022015). Collection method: clinical testing. Allele origin: germline.
Comment: This sequence change replaces glycine, which is neutral and non-polar, with valine, which is neutral and non-polar, at codon 286 of the MCM5 protein (p.Gly286Val). This variant is present in population databases (rs757218373, gnomAD 0.0009%). This variant has not been reported in the literature in individuals affected with MCM5-related conditions. Advanced modeling of protein sequence and biophysical properties (such as structural, functional, and spatial information, amino acid conservation, physicochemical variation, residue mobility, and thermodynamic stability) performed at Invitae indicates that this missense variant is not expected to disrupt MCM5 protein function with a negative predictive value of 80%. In summary, the available evidence is currently insufficient to determine the role of this variant in disease. Therefore, it has been classified as a Variant of Uncertain Significance.

NM_006739.4(MCM5):c.857G>T (p.Gly286Val)

Gene: MCM5 (minichromosome maintenance complex component 5; plus strand). Cytogenetic location: 22q12.3.
Variant type: single nucleotide variant.
Coding change: c.857G>T on transcript NM_006739.4 (MANE Select); coding-DNA position 857, G replaced by T.
Protein change: p.Gly286Val; replaces glycine 286 with valine.
Molecular consequence: missense variant.
Genome position (GRCh38, 1-based): chr22:35,410,848, G>T. VCF-style: chr22-35410848-G-T. GRCh37 (hg19) VCF-style: chr22-35806841-G-T.
Other names: short protein forms G286V.
Identifiers: ClinVar variation 3699115 (VCV003699115.2).